The following is an entry in ClinVar:

NM_000384.3(APOB):c.4019T>C (p.Phe1340Ser)

Gene: APOB (apolipoprotein B; minus strand). Cytogenetic location: 2p24.1.
Variant type: single nucleotide variant.
Coding change: c.4019T>C on transcript NM_000384.3 (MANE Select); coding-DNA position 4019, T replaced by C.
Protein change: p.Phe1340Ser; replaces phenylalanine 1340 with serine.
Molecular consequence: missense variant.
Genome position (GRCh38, 1-based): chr2:21,013,357, A>G on the plus strand (T>C on the coding strand, the complement: APOB is on the minus strand). VCF-style: chr2-21013357-A-G. GRCh37 (hg19) VCF-style: chr2-21236229-A-G.
Other names: short protein forms F1340S.
Identifiers: ClinVar variation 1737083 (VCV001737083.2), dbSNP rs755257567, ClinGen allele CA060357.

ClinVar aggregate classification (germline): Uncertain significance (1 of 4 stars; one submission).

Conditions:
Cardiovascular phenotype. Identifiers: MedGen CN230736.

Allele frequency attached by ClinVar (database versions not stated): gnomAD exomes below 0.00001; ExAC 0.00001.
gnomAD v4.1: 3 of 1,614,216 alleles (0.00019%); highest among the groups gnomAD compares: Non-Finnish European, 0.00025%; no homozygotes.

Submission:

Ambry Genetics
Classification: Uncertain significance for Cardiovascular phenotype. Last evaluated: 2022-10-27. Review status: criteria provided, single submitter. Criteria: Ambry Variant Classification Scheme 2023. Collection method: clinical testing. Allele origin: germline.
Comment: The p.F1340S variant (also known as c.4019T>C), located in coding exon 25 of the APOB gene, results from a T to C substitution at nucleotide position 4019. The phenylalanine at codon 1340 is replaced by serine, an amino acid with highly dissimilar properties. This amino acid position is conserved. In addition, the in silico prediction for this alteration is inconclusive. Since supporting evidence is limited at this time, the clinical significance of this alteration remains unclear.